The following is an entry in ClinVar:

ClinVar aggregate classification (germline): Uncertain significance (1 of 4 stars; one submission).

Submission:

GeneDx
Classification: Uncertain significance. Last evaluated: 2023-12-20. Review status: criteria provided, single submitter. Criteria: GeneDx Variant Classification Process June 2021. Collection method: clinical testing. Allele origin: germline. Affected: yes.
Comment: Not observed at significant frequency in large population cohorts (gnomAD); In silico analysis supports that this missense variant does not alter protein structure/function; Has not been previously published as pathogenic or benign to our knowledge

NM_017654.4(SAMD9):c.1166G>T (p.Arg389Ile)

Gene: SAMD9 (sterile alpha motif domain containing 9; minus strand). Cytogenetic location: 7q21.2.
Variant type: single nucleotide variant.
Coding change: c.1166G>T on transcript NM_017654.4 (MANE Select); coding-DNA position 1166, G replaced by T.
Protein change: p.Arg389Ile; replaces arginine 389 with isoleucine.
Molecular consequence: missense variant.
Genome position (GRCh38, 1-based): chr7:93,104,932, C>A on the plus strand (G>T on the coding strand, the complement: SAMD9 is on the minus strand). VCF-style: chr7-93104932-C-A. GRCh37 (hg19) VCF-style: chr7-92734245-C-A.
Other names: c.1166G>T, p.Arg389Ile (NM_001193307.2); short protein forms R389I.
Identifiers: ClinVar variation 3369978 (VCV003369978.1).